The following is an entry in ClinVar:

NM_000059.4(BRCA2):c.2443A>C (p.Met815Leu)

Gene: BRCA2 (BRCA2 DNA repair associated; plus strand). Cytogenetic location: 13q13.1.
Variant type: single nucleotide variant.
Coding change: c.2443A>C on transcript NM_000059.4 (MANE Select); coding-DNA position 2443, A replaced by C.
Protein change: p.Met815Leu; replaces methionine 815 with leucine.
Molecular consequence: missense variant.
Genome position (GRCh38, 1-based): chr13:32,336,798, A>C. VCF-style: chr13-32336798-A-C. GRCh37 (hg19) VCF-style: chr13-32910935-A-C.
Other names: short protein forms M815L.
Identifiers: ClinVar variation 441417 (VCV000441417.7), dbSNP rs786203814, ClinGen allele CA387772232.

ClinVar aggregate classification (germline): Conflicting classifications of pathogenicity. Review status: criteria provided, conflicting classifications (1 of 4 stars). 2 submissions from 2 submitters: Uncertain significance (1); Likely benign (1). Last evaluated 2023-03-23.

Conditions:
Hereditary cancer-predisposing syndrome. Also called: Hereditary Cancer Syndrome; Hereditary neoplastic syndrome; Neoplastic Syndromes, Hereditary; Tumor predisposition. Identifiers: Orphanet 140162, MedGen C0027672, MeSH D009386, MONDO:0015356.

gnomAD v4.1: 1 of 1,607,686 alleles (0.000062%); highest among the groups gnomAD compares: Non-Finnish European, 0.000085%; no homozygotes.

Submissions (2):

University of Washington Department of Laboratory Medicine, University of Washington
Classification: Likely benign for Hereditary cancer-predisposing syndrome. Last evaluated: 2023-03-23. Review status: criteria provided, single submitter. Criteria: Dines et al. (Genet Med. 2020). Collection method: curation. Allele origin: germline.
Comment: Missense variant in a coldspot region where missense variants are very unlikely to be pathogenic (PMID:31911673).

BRCA2 exon 11 coldspot. Reclassification based on statistical prior probability.

Ambry Genetics
Classification: Uncertain significance for Hereditary cancer-predisposing syndrome. Last evaluated: 2016-10-26. Review status: criteria provided, single submitter. Criteria: Ambry Variant Classification Scheme 2023. Collection method: clinical testing. Allele origin: germline.
Comment: The p.M815L variant (also known as c.2443A>C), located in coding exon 10 of the BRCA2 gene, results from an A to C substitution at nucleotide position 2443. The methionine at codon 815 is replaced by leucine, an amino acid with highly similar properties. This variant was not reported in population based cohorts in the following databases: Database of Single Nucleotide Polymorphisms (dbSNP), NHLBI Exome Sequencing Project (ESP), and 1000 Genomes Project. In the ESP, this variant was not observed in 6498 samples (12996 alleles) with coverage at this position. To date, this alteration has been detected with an allele frequency of approximately 0.0003% (greater than 300000 alleles tested) in our clinical cohort. This amino acid position is poorly conserved in available vertebrate species. In addition, this alteration is predicted to be tolerated by in silico analysis. Since supporting evidence is limited at this time, the clinical significance of this alteration remains unclear.